The following is an entry in ClinVar:

NM_003177.7(SYK):c.846+105C>T

Gene: SYK (spleen associated tyrosine kinase; plus strand). Cytogenetic location: 9q22.2.
Variant type: single nucleotide variant.
Coding change: c.846+105C>T on transcript NM_003177.7 (MANE Select); 105 bases into the intron after coding-DNA position 846, C replaced by T.
Molecular consequence: intron variant.
Genome position (GRCh38, 1-based): chr9:90,865,202, C>T. VCF-style: chr9-90865202-C-T. GRCh37 (hg19) VCF-style: chr9-93627484-C-T.
Other names: c.846+105C>T (NM_001174168.3, NM_001135052.4, NM_001174167.3).
Identifiers: ClinVar variation 2688027 (VCV002688027.2), dbSNP rs4744516, ClinGen allele CA13087173.
Genomic context (GRCh38, chr9:90,865,202, plus strand): 5'-TTTCACAAATGAAAAGCATGTTTTAGCTAACAGGAGTAGTAGGCATTGATATTTTGATTG[C>T]GCTTCAAAACATACTCCGTGATGAGCTGGGATTGCTAGTGAGTGTTAGGCAGAATCAGCC-3'

ClinVar aggregate classification (germline): Benign (1 of 4 stars; one submission).

Allele frequency attached by ClinVar (database versions not stated): 1000 Genomes Project 0.36442; 1000 Genomes Project 30x 0.36993; TOPMed 0.45203.
gnomAD v4.1: 479,797 of 1,151,070 alleles (42%); highest among the groups gnomAD compares: Admixed American, 56%; 103,781 homozygotes.

Submission:

Unidad de Genómica Garrahan, Hospital de Pediatría Garrahan
Classification: Benign. Last evaluated: 2024-01-24. Review status: criteria provided, single submitter. Criteria: ACMG Guidelines, 2015. Collection method: clinical testing. Allele origin: germline. Affected: no. Observed: 65 variant alleles.
Comment: This variant is classified as Benign based on local population frequency. This variant was detected in 68% of patients studied by a panel of primary immunodeficiencies. Number of patients: 65. Only high quality variants are reported.